The following is an entry in ClinVar:

ClinVar aggregate classification (germline): Uncertain significance (1 of 4 stars; one submission).

gnomAD v4.1: 1 of 1,610,486 alleles (0.000062%); highest among the groups gnomAD compares: Admixed American, 0.0017%; no homozygotes.

Submission:

GeneDx
Classification: Uncertain significance. Last evaluated: 2026-03-26. Review status: criteria provided, single submitter. Criteria: GeneDx Variant Classification Process June 2021. Collection method: clinical testing. Allele origin: germline.
Comment: Not observed at significant frequency in large population cohorts (gnomAD); In silico analysis supports that this missense variant has a deleterious effect on protein structure/function; Has not been previously published as pathogenic or benign to our knowledge

NM_001009999.3(KDM1A):c.864G>C (p.Lys288Asn)

Gene: KDM1A (lysine demethylase 1A; plus strand). Cytogenetic location: 1p36.12.
Variant type: single nucleotide variant.
Coding change: c.864G>C on transcript NM_001009999.3 (MANE Select); coding-DNA position 864, G replaced by C.
Protein change: p.Lys288Asn; replaces lysine 288 with asparagine.
Molecular consequence: missense variant.
Genome position (GRCh38, 1-based): chr1:23,055,142, G>C. VCF-style: chr1-23055142-G-C. GRCh37 (hg19) VCF-style: chr1-23381635-G-C.
Other names: c.864G>C, p.Lys288Asn (NM_001410762.1); c.804G>C, p.Lys268Asn (NM_001410763.1, NM_015013.4, NM_001363654.2); short protein forms K268N, K288N.
Identifiers: ClinVar variation 5017471 (VCV005017471.1).